The following is an entry in ClinVar:

NM_138636.5(TLR8):c.354C>T (p.Asp118=)

Genes: TLR8 (toll like receptor 8; plus strand), TLR8-AS1 (TLR8 antisense RNA 1; minus strand). Cytogenetic location: Xp22.2.
Variant type: single nucleotide variant.
Coding change: c.354C>T on transcript NM_138636.5 (MANE Select); coding-DNA position 354, C replaced by T.
Protein change: p.Asp118=; no amino-acid change (aspartic acid 118 retained).
Molecular consequence: synonymous variant.
Genome position (GRCh38, 1-based): chrX:12,919,394, C>T. VCF-style: chrX-12919394-C-T. GRCh37 (hg19) VCF-style: chrX-12937513-C-T.
Other names: c.408C>T, p.Asp136= (NM_016610.4).
Identifiers: ClinVar variation 2688225 (VCV002688225.2), dbSNP rs2159377, ClinGen allele CA10350206.

ClinVar aggregate classification (germline): Benign (1 of 4 stars; one submission).

Allele frequency attached by ClinVar (database versions not stated): ESP Exome Variant Server 0.16122; gnomAD 0.20634; gnomAD exomes 0.21140; TOPMed 0.22254; ExAC 0.27217; 1000 Genomes Project 30x 0.36067; 1000 Genomes Project 0.37404.
gnomAD v4.1: 256,408 of 1,208,912 alleles (21%); highest among the groups gnomAD compares: East Asian, 75%; 22,885 homozygotes.

Submission:

Unidad de Genómica Garrahan, Hospital de Pediatría Garrahan
Classification: Benign. Last evaluated: 2024-01-24. Review status: criteria provided, single submitter. Criteria: ACMG Guidelines, 2015. Collection method: clinical testing. Allele origin: germline. Affected: no. Observed: 31 variant alleles.
Comment: This variant is classified as Benign based on local population frequency. This variant was detected in 33% of patients studied by a panel of primary immunodeficiencies. Number of patients: 31. Only high quality variants are reported.